The following is an entry in ClinVar:

NM_001734.5(C1S):c.1175A>G (p.Tyr392Cys)

Gene: C1S (complement C1s; plus strand). Cytogenetic location: 12p13.31.
Variant type: single nucleotide variant.
Coding change: c.1175A>G on transcript NM_001734.5 (MANE Select); coding-DNA position 1175, A replaced by G.
Protein change: p.Tyr392Cys; replaces tyrosine 392 with cysteine.
Molecular consequence: missense variant.
Genome position (GRCh38, 1-based): chr12:7,067,751, A>G. VCF-style: chr12-7067751-A-G. GRCh37 (hg19) VCF-style: chr12-7175055-A-G.
Other names: c.674A>G, p.Tyr225Cys (NM_001346850.2); c.1175A>G, p.Tyr392Cys (NM_201442.4); short protein forms Y225C, Y392C.
Identifiers: ClinVar variation 2818016 (VCV002818016.3), dbSNP rs2539603520, ClinGen allele CA383701290.

ClinVar aggregate classification (germline): Uncertain significance (1 of 4 stars; one submission).

Submission:

Labcorp Genetics (formerly Invitae), Labcorp
Classification: Uncertain significance. Last evaluated: 2022-12-02. Review status: criteria provided, single submitter. Criteria: Invitae Variant Classification Sherloc (09022015). Collection method: clinical testing. Allele origin: germline.
Comment: This sequence change replaces tyrosine, which is neutral and polar, with cysteine, which is neutral and slightly polar, at codon 392 of the C1S protein (p.Tyr392Cys). In summary, the available evidence is currently insufficient to determine the role of this variant in disease. Therefore, it has been classified as a Variant of Uncertain Significance. Advanced modeling of protein sequence and biophysical properties (such as structural, functional, and spatial information, amino acid conservation, physicochemical variation, residue mobility, and thermodynamic stability) performed at Invitae indicates that this missense variant is not expected to disrupt C1S protein function. This variant has not been reported in the literature in individuals affected with C1S-related conditions. This variant is not present in population databases (gnomAD no frequency).